The following is an entry in ClinVar:

ClinVar aggregate classification (germline): Uncertain significance. Review status: criteria provided, single submitter (1 of 4 stars). 2 submissions from 2 submitters: Uncertain significance (1). 1 of the submissions does not count toward it. Last evaluated 2024-05-22.

Allele frequency attached by ClinVar (database versions not stated): gnomAD exomes below 0.00001; gnomAD 0.00001.
gnomAD v4.1: 3 of 1,614,046 alleles (0.00019%); highest among the groups gnomAD compares: Non-Finnish European, 0.00025%; no homozygotes.

Submissions (2):

Labcorp Genetics (formerly Invitae), Labcorp
Classification: Uncertain significance. Last evaluated: 2024-05-22. Review status: criteria provided, single submitter. Criteria: Invitae Variant Classification Sherloc (09022015). Collection method: clinical testing. Allele origin: germline.
Comment: This sequence change replaces aspartic acid, which is acidic and polar, with glutamic acid, which is acidic and polar, at codon 523 of the ABCA4 protein (p.Asp523Glu). This variant is present in population databases (rs62646868, gnomAD 0.0009%). This missense change has been observed in individual(s) with Stargardt disease (PMID: 9973280). ClinVar contains an entry for this variant (Variation ID: 99059). Advanced modeling of protein sequence and biophysical properties (such as structural, functional, and spatial information, amino acid conservation, physicochemical variation, residue mobility, and thermodynamic stability) performed at Invitae indicates that this missense variant is expected to disrupt ABCA4 protein function with a positive predictive value of 95%. In summary, the available evidence is currently insufficient to determine the role of this variant in disease. Therefore, it has been classified as a Variant of Uncertain Significance.

Retina International
No classification provided. Review status: no classification provided. Collection method: not provided. Allele origin: not provided. Not counted in ClinVar's aggregate classification.

Literature cited by the submitters: PubMed 9973280 (cited by Labcorp Genetics (formerly Invitae), Labcorp).

NM_000350.3(ABCA4):c.1569T>G (p.Asp523Glu)

Gene: ABCA4 (ATP binding cassette subfamily A member 4; minus strand). Cytogenetic location: 1p22.1.
Variant type: single nucleotide variant.
Coding change: c.1569T>G on transcript NM_000350.3 (MANE Select); coding-DNA position 1569, T replaced by G.
Protein change: p.Asp523Glu; replaces aspartic acid 523 with glutamic acid.
Molecular consequence: missense variant.
Genome position (GRCh38, 1-based): chr1:94,063,303, A>C on the plus strand (T>G on the coding strand, the complement: ABCA4 is on the minus strand). VCF-style: chr1-94063303-A-C. GRCh37 (hg19) VCF-style: chr1-94528859-A-C.
Other names: c.1569T>G, p.Asp523Glu (NM_001425324.1); short protein forms D523E.
Identifiers: ClinVar variation 99059 (VCV000099059.9), dbSNP rs62646868, ClinGen allele CA226900.